The following is an entry in ClinVar:

ClinVar aggregate classification (germline): Uncertain significance. Review status: criteria provided, multiple submitters, no conflicts (2 of 4 stars). 3 submissions from 3 submitters: Uncertain significance (2). 1 of the submissions does not count toward it. Last evaluated 2021-03-02.

Allele frequency attached by ClinVar (database versions not stated): gnomAD 0.00001.
gnomAD v4.1: 4 of 1,256,406 alleles (0.00032%); highest among the groups gnomAD compares: Non-Finnish European, 0.0004%; no homozygotes.

Submissions (3):

Blueprint Genetics
Classification: Uncertain significance. Last evaluated: 2021-03-02. Review status: criteria provided, single submitter. Criteria: ACMG Guidelines, 2015. Collection method: clinical testing. Allele origin: germline.

Labcorp Genetics (formerly Invitae), Labcorp
Classification: Uncertain significance. Last evaluated: 2020-12-21. Review status: criteria provided, single submitter. Criteria: Invitae Variant Classification Sherloc (09022015). Collection method: clinical testing. Allele origin: germline.
Comment: In summary, the available evidence is currently insufficient to determine the role of this variant in disease. Therefore, it has been classified as a Variant of Uncertain Significance. This sequence change replaces glycine with cysteine at codon 21 of the KCNQ5 protein (p.Gly21Cys). The glycine residue is weakly conserved and there is a large physicochemical difference between glycine and cysteine. The frequency data for this variant in the population databases is considered unreliable, as metrics indicate insufficient coverage at this position in the ExAC database. This variant has not been reported in the literature in individuals with KCNQ5-related conditions. Advanced modeling of protein sequence and biophysical properties (such as structural, functional, and spatial information, amino acid conservation, physicochemical variation, residue mobility, and thermodynamic stability) performed at Invitae indicates that this missense variant is not expected to disrupt KCNQ5 protein function.

Genetics and Genomic Medicine Centre, NeuroGen Healthcare, NeuroGen Healthcare
Classification: Uncertain significance. Last evaluated: 2022-04-30. Review status: no assertion criteria provided. Collection method: clinical testing. Allele origin: unknown. Affected: yes. Not counted in ClinVar's aggregate classification.

NM_019842.4(KCNQ5):c.61G>T (p.Gly21Cys)

Genes: KCNQ5 (potassium voltage-gated channel subfamily Q member 5; plus strand), KCNQ5-DT (KCNQ5 divergent transcript; minus strand), LOC129996711 (ATAC-STARR-seq lymphoblastoid silent region 17329; plus strand). Cytogenetic location: 6q13.
Variant type: single nucleotide variant.
Coding change: c.61G>T on transcript NM_019842.4 (MANE Select); coding-DNA position 61, G replaced by T.
Protein change: p.Gly21Cys; replaces glycine 21 with cysteine.
Molecular consequence: missense variant.
Genome position (GRCh38, 1-based): chr6:72,622,250, G>T. VCF-style: chr6-72622250-G-T. GRCh37 (hg19) VCF-style: chr6-73331978-G-T.
Other names: c.61G>T, p.Gly21Cys (NM_001160134.2, NM_001160130.2, NM_001160132.2 and 1 more transcripts); short protein forms G21C.
Identifiers: ClinVar variation 1358144 (VCV001358144.11), dbSNP rs1449413875, ClinGen allele CA364824075.